The following is an entry in ClinVar:

NM_001330260.2(SCN8A):c.4412del (p.Lys1471fs)

Gene: SCN8A (sodium voltage-gated channel alpha subunit 8; plus strand). Cytogenetic location: 12q13.13.
Variant type: Deletion.
Coding change: c.4412del on transcript NM_001330260.2 (MANE Select); coding-DNA position 4412, one base deleted (A; older notation c.4412delA).
Protein change: p.Lys1471fs; shifts the reading frame from lysine 1471.
Molecular consequence: frameshift variant.
Genome position (GRCh38, 1-based): chr12:51,789,411, A deleted; the last of 4 consecutive A bases (chr12:51,789,408-51,789,411); deleting any one gives the same sequence. VCF-style (leftmost placement, unchanged base first): chr12-51789407-CA-C. GRCh37 (hg19) VCF-style: chr12-52183191-CA-C.
Other names: c.4289del, p.Lys1430fs (NM_001177984.3, NM_001369788.1); c.4412del, p.Lys1471fs (NM_014191.4); short protein forms K1430fs, K1471fs.
Identifiers: ClinVar variation 986136 (VCV000986136.3), dbSNP rs1938179478, ClinGen allele CA1139662691.

ClinVar aggregate classification (germline): Pathogenic (1 of 4 stars; one submission).

Conditions:
Inborn genetic diseases. Identifiers: MedGen C0950123, MeSH D030342.

Submission:

Ambry Genetics
Classification: Pathogenic for Inborn genetic diseases. Last evaluated: 2023-10-02. Review status: criteria provided, single submitter. Criteria: Ambry Variant Classification Scheme 2023. Collection method: clinical testing. Allele origin: germline.
Comment: The c.4412delA (p.K1471Rfs*11) alteration, located in exon 24 (coding exon 23) of the SCN8A gene, consists of a deletion of one nucleotide at position 4412 causing a translational frameshift with a predicted alternate stop codon after 11 amino acids. This alteration is expected to result in loss of function by premature protein truncation or nonsense-mediated mRNA decay. This variant was not reported in population-based cohorts in the Genome Aggregation Database (gnomAD). Based on the available evidence, this alteration is classified as pathogenic.